The following is an entry in ClinVar:

Single allele

Genes: CFHR4 (complement factor H related 4; plus strand), LOC122149335 (Sharpr-MPRA regulatory region 8052; plus strand), LOC126805964 (CDK7 strongly-dependent group 2 enhancer GRCh37_chr1:196827453-196828652; plus strand). Cytogenetic location: 1q31.3.
Variant type: Deletion.
Identifiers: ClinVar variation 156764 (VCV000156764.2).

ClinVar aggregate classification (germline): not provided (0 of 4 stars; one submission).

Conditions:
Large for gestational age. Identifiers: MedGen C1848395, HP:0001520.

Submission:

Institute of Molecular and Cell Biology, University of Tartu
No classification provided. Condition: Large for gestational age. Review status: no classification provided. Collection method: case-control. Allele origin: unknown. Affected: yes. Study: Kasak2014.
Comment: The study aimed to determine the contribution of copy number variants in the genetic etiology of normal and complicated pregnancies. The samples represented (i) maternal blood DNA drawn from healthy pregnant women during 1st or 2nd trimester and (ii) maternal and paternal blood DNA drawn at term pregnancy cases representing normal and complicated gestations (severe preeclampsia, PE; gestational diabetes, GD; small-for-gestational age newborn, SGA; large-for-gestational age newborn, LGA). We performed CNV calling based on genome-wide genotyping dataset (Illumina HumanOmniExpress-24-v1 BeadChip) by applying three algorithms, QuantiSNP, GADA (Genome Alteration Detection Algorithm) and CNstream in parallel. The acquired CNV calls were merged with HD-CNV (Hotspot Detector for Copy Number Variants) program and only the CNVs predicted by at least two programs, were considered in subsequent analysis.

Literature cited by the submitters: PubMed 25666259.